The following is an entry in ClinVar:

ClinVar aggregate classification (germline): Benign/Likely benign. Review status: criteria provided, multiple submitters, no conflicts (2 of 4 stars). 2 submissions from 2 submitters: Benign (1); Likely benign (1). Last evaluated 2024-05-22.

Conditions:
Familial cancer of breast. Also called: Hereditary breast cancer; BREAST CANCER, FAMILIAL; hereditary breast carcinoma. Identifiers: Orphanet 227535, MedGen C0346153, MONDO:0016419, OMIM 114480. Disease mechanism: loss of function.
Hereditary cancer-predisposing syndrome. Also called: Hereditary Cancer Syndrome; Neoplastic Syndromes, Hereditary; Tumor predisposition; Hereditary neoplastic syndrome. Identifiers: Orphanet 140162, MedGen C0027672, MeSH D009386, MONDO:0015356.

Submissions (2):

Myriad Genetics, Inc.
Classification: Benign for Familial cancer of breast. Last evaluated: 2024-05-22. Review status: criteria provided, single submitter. Criteria: Myriad Autosomal Dominant, Autosomal Recessive and X-Linked Classification Criteria (2023). Collection method: clinical testing. Allele origin: unknown.
Comment: This variant is considered benign. This variant is a silent/synonymous amino acid change and it is not expected to impact splicing.

Color Diagnostics, LLC DBA Color Health
Classification: Likely benign for Hereditary cancer-predisposing syndrome. Last evaluated: 2017-07-21. Review status: criteria provided, single submitter. Criteria: ACMG Guidelines, 2015. Collection method: clinical testing. Allele origin: germline.

NM_000051.4(ATM):c.5070T>C (p.His1690=)

Gene: ATM (ATM serine/threonine kinase; plus strand). Cytogenetic location: 11q22.3.
Variant type: single nucleotide variant.
Coding change: c.5070T>C on transcript NM_000051.4 (MANE Select); coding-DNA position 5070, T replaced by C.
Protein change: p.His1690=; no amino-acid change (histidine 1690 retained).
Molecular consequence: synonymous variant.
Genome position (GRCh38, 1-based): chr11:108,299,778, T>C. VCF-style: chr11-108299778-T-C. GRCh37 (hg19) VCF-style: chr11-108170505-T-C.
Other names: c.5070T>C, p.His1690= (NM_001351834.2).
Identifiers: ClinVar variation 490604 (VCV000490604.4), dbSNP rs1555104631, ClinGen allele CA476674689.